The following is an entry in ClinVar:

NM_001012301.4(ARSI):c.1096G>A (p.Asp366Asn)

Gene: ARSI (arylsulfatase family member I; minus strand). Cytogenetic location: 5q32.
Variant type: single nucleotide variant.
Coding change: c.1096G>A on transcript NM_001012301.4 (MANE Select); coding-DNA position 1096, G replaced by A.
Protein change: p.Asp366Asn; replaces aspartic acid 366 with asparagine.
Molecular consequence: missense variant.
Genome position (GRCh38, 1-based): chr5:150,297,828, C>T on the plus strand (G>A on the coding strand, the complement: ARSI is on the minus strand). VCF-style: chr5-150297828-C-T. GRCh37 (hg19) VCF-style: chr5-149677391-C-T.
Other names: short protein forms D366N.
Identifiers: ClinVar variation 4643207 (VCV004643207.2).

ClinVar aggregate classification (germline): Uncertain significance. Review status: criteria provided, multiple submitters, no conflicts (2 of 4 stars). 2 submissions from 2 submitters: Uncertain significance (2). Last evaluated 2025-10-27.

Conditions:
Spastic paraplegia. Identifiers: MedGen C0037772, HP:0001258.

Submissions (2):

Labcorp Genetics (formerly Invitae), Labcorp
Classification: Uncertain significance for Spastic paraplegia. Last evaluated: 2025-10-27. Review status: criteria provided, single submitter. Criteria: Invitae Variant Classification Sherloc (09022015). Collection method: clinical testing. Allele origin: germline.
Comment: This sequence change replaces aspartic acid, which is acidic and polar, with asparagine, which is neutral and polar, at codon 366 of the ARSI protein (p.Asp366Asn). This variant is present in population databases (rs764276956, gnomAD 0.007%). This variant has not been reported in the literature in individuals affected with ARSI-related conditions. An algorithm developed to predict the effect of missense changes on protein structure and function (PolyPhen-2) suggests that this variant is likely to be tolerated. In summary, the available evidence is currently insufficient to determine the role of this variant in disease. Therefore, it has been classified as a Variant of Uncertain Significance.

Ambry Genetics
Classification: Uncertain significance. Last evaluated: 2025-10-18. Review status: criteria provided, single submitter. Criteria: Ambry Variant Classification Scheme 2023. Collection method: clinical testing. Allele origin: germline.